The following is an entry in ClinVar:

NM_001126108.2(SLC12A3):c.457G>A (p.Val153Met)

Gene: SLC12A3 (solute carrier family 12 member 3; plus strand). Cytogenetic location: 16q13.
Variant type: single nucleotide variant.
Coding change: c.457G>A on transcript NM_001126108.2 (MANE Select); coding-DNA position 457, G replaced by A.
Protein change: p.Val153Met; replaces valine 153 with methionine.
Molecular consequence: missense variant.
Genome position (GRCh38, 1-based): chr16:56,868,324, G>A. VCF-style: chr16-56868324-G-A. GRCh37 (hg19) VCF-style: chr16-56902236-G-A.
Other names: c.457G>A, p.Val153Met (NM_000339.3); c.454G>A, p.Val152Met (NM_001126107.2); short protein forms V153M, V152M.
Identifiers: ClinVar variation 523358 (VCV000523358.13), dbSNP rs779074538, ClinGen allele CA8069044.

ClinVar aggregate classification (germline): Conflicting classifications of pathogenicity. Review status: criteria provided, conflicting classifications (1 of 4 stars). 6 submissions from 6 submitters: Pathogenic (1); Likely pathogenic (3); Uncertain significance (2). Last evaluated 2025-04-18.

Conditions:
SLC12A3-related disorder. Also called: SLC12A3-related condition.
Familial hypokalemia-hypomagnesemia (GTLMNS). Also called: HYPOMAGNESEMIA-HYPOKALEMIA, PRIMARY RENOTUBULAR, WITH HYPOCALCIURIA; POTASSIUM AND MAGNESIUM DEPLETION; gitelman syndrome. Identifiers: Orphanet 358, MedGen C0268450, MONDO:0009904, OMIM 263800.
Hypokalemia. Identifiers: MedGen C0020621, HP:0002900.
Hypermagnesemia. Identifiers: MedGen C1522135, HP:0002918.
Myalgia. Identifiers: MedGen C0231528, HP:0003326.
Muscle weakness. Identifiers: MedGen C0151786, HP:0001324.

Allele frequency attached by ClinVar (database versions not stated): gnomAD 0.00004; gnomAD exomes 0.00006; ExAC 0.00011.

Submissions (6):

Natera, Inc.
Classification: Likely pathogenic for Gitelman syndrome. Last evaluated: 2025-04-18. Review status: criteria provided, single submitter. Criteria: Natera Variant Classification Schema (03/2026). Collection method: clinical testing. Allele origin: germline.
Comment: The c.457G>A variant in SLC12A3 is a missense variant predicted to cause substitution of valine to methionine at amino acid 153. This variant is rare in the general population with a frequency below the threshold expected for the associated phenotype(s). This variant has been observed in one or more individuals affected with the associated recessive disease, as either homozygous or compound heterozygous with a second variant (PMID: 31672324, 22009145, 36964972). Computational prediction algorithms indicate this variant is likely to affect gene or protein function. Given the available evidence, this variant is classified as Likely Pathogenic.

Blueprint Genetics
Classification: Pathogenic for SLC12A3-related disorders. Last evaluated: 2024-09-12. Review status: criteria provided, single submitter. Criteria: ACMG Guidelines, 2015. Collection method: clinical testing. Allele origin: germline. Affected: yes. Observed: 5 variant alleles.

Fulgent Genetics
Classification: Likely pathogenic for Familial hypokalemia-hypomagnesemia. Last evaluated: 2024-03-28. Review status: criteria provided, single submitter. Criteria: ACMG Guidelines, 2015. Collection method: clinical testing. Allele origin: germline.

Labcorp Genetics (formerly Invitae), Labcorp
Classification: Likely pathogenic. Last evaluated: 2023-11-28. Review status: criteria provided, single submitter. Criteria: Invitae Variant Classification Sherloc (09022015). Collection method: clinical testing. Allele origin: germline.
Comment: This sequence change replaces valine, which is neutral and non-polar, with methionine, which is neutral and non-polar, at codon 153 of the SLC12A3 protein (p.Val153Met). This variant is present in population databases (rs779074538, gnomAD 0.01%). This missense change has been observed in individuals with Gitelman syndrome (PMID: 17654016, 31672324). This variant is also known as c.463G>A, p.Val153Met. ClinVar contains an entry for this variant (Variation ID: 523358). Advanced modeling of protein sequence and biophysical properties (such as structural, functional, and spatial information, amino acid conservation, physicochemical variation, residue mobility, and thermodynamic stability) performed at Invitae indicates that this missense variant is expected to disrupt SLC12A3 protein function with a positive predictive value of 95%. In summary, the currently available evidence indicates that the variant is pathogenic, but additional data are needed to prove that conclusively. Therefore, this variant has been classified as Likely Pathogenic.

MGZ Medical Genetics Center
Classification: Uncertain significance for Familial hypokalemia-hypomagnesemia. Last evaluated: 2021-10-25. Review status: criteria provided, single submitter. Criteria: ACMG Guidelines, 2015. Collection method: clinical testing. Allele origin: germline. Affected: yes. Observed: 1 variant allele.
Comment: ACMG criteria applied: PM3, PM2_SUP, PP2, PP3

Centre for Mendelian Genomics, University Medical Centre Ljubljana
Classification: Uncertain significance for Hypermagnesemia; Hypokalemia; Muscle weakness; Myalgia. Last evaluated: 2017-01-01. Review status: criteria provided, single submitter. Criteria: ACMG Guidelines, 2015. Collection method: clinical testing. Allele origin: unknown. Affected: yes.

Literature cited by the submitters: PubMed 31672324 (cited by Natera, Inc. and Labcorp Genetics (formerly Invitae), Labcorp); PubMed 22009145 (cited by Natera, Inc.); PubMed 36964972 (cited by Natera, Inc.); PubMed 17654016 (cited by Labcorp Genetics (formerly Invitae), Labcorp).